The following is an entry in ClinVar:

NM_001365999.1(SZT2):c.9171C>T (p.His3057=)

Gene: SZT2 (SZT2 subunit of KICSTOR complex; plus strand). Cytogenetic location: 1p34.2.
Variant type: single nucleotide variant.
Coding change: c.9171C>T on transcript NM_001365999.1 (MANE Select); coding-DNA position 9171, C replaced by T.
Protein change: p.His3057=; no amino-acid change (histidine 3057 retained).
Molecular consequence: synonymous variant.
Genome position (GRCh38, 1-based): chr1:43,447,053, C>T. VCF-style: chr1-43447053-C-T. GRCh37 (hg19) VCF-style: chr1-43912724-C-T.
Other names: c.9000C>T (NM_015284.3); c.9000C>T, p.His3000= (NM_015284.4); c.612C>T, p.His204= (NM_024547.1).
Identifiers: ClinVar variation 2038867 (VCV002038867.6), dbSNP rs754284486, ClinGen allele CA810837.

ClinVar aggregate classification (germline): Likely benign. Review status: criteria provided, multiple submitters, no conflicts (2 of 4 stars). 3 submissions from 3 submitters: Likely benign (3). Last evaluated 2025-06-11.

Allele frequency attached by ClinVar (database versions not stated): TOPMed below 0.00001; ExAC 0.00001; gnomAD 0.00001; gnomAD exomes 0.00001.
gnomAD v4.1: 10 of 1,613,844 alleles (0.00062%); highest among the groups gnomAD compares: South Asian, 0.0033%; no homozygotes.

Submissions (3):

Labcorp Genetics (formerly Invitae), Labcorp
Classification: Likely benign. Last evaluated: 2025-06-11. Review status: criteria provided, single submitter. Criteria: Invitae Variant Classification Sherloc (09022015). Collection method: clinical testing. Allele origin: germline.

Athena Diagnostics
Classification: Likely benign. Last evaluated: 2025-02-25. Review status: criteria provided, single submitter. Criteria: Athena Diagnostics Criteria. Collection method: clinical testing. Allele origin: unknown.
Comment: Computational tools yielded predictions that this variant is unlikely to have an effect on normal RNA splicing. This nucleotide position exhibits low evolutionary conservation.

Blueprint Genetics
Classification: Likely benign. Last evaluated: 2023-04-06. Review status: criteria provided, single submitter. Criteria: ACMG Guidelines, 2015. Collection method: clinical testing. Allele origin: germline.